The following is an entry in ClinVar:

ClinVar aggregate classification (germline): Uncertain significance (1 of 4 stars; one submission).

Submission:

Ambry Genetics
Classification: Uncertain significance. Last evaluated: 2024-01-28. Review status: criteria provided, single submitter. Criteria: Ambry Variant Classification Scheme 2023. Collection method: clinical testing. Allele origin: germline.
Comment: The p.I1353K variant (also known as c.4058T>A), located in coding exon 16 of the POLQ gene, results from a T to A substitution at nucleotide position 4058. The isoleucine at codon 1353 is replaced by lysine, an amino acid with dissimilar properties. This amino acid position is conserved. In addition, this alteration is predicted to be tolerated by in silico analysis. Since supporting evidence is limited at this time, the clinical significance of this alteration remains unclear.

NM_199420.4(POLQ):c.4058T>A (p.Ile1353Lys)

Gene: POLQ (DNA polymerase theta; minus strand). Cytogenetic location: 3q13.33.
Variant type: single nucleotide variant.
Coding change: c.4058T>A on transcript NM_199420.4 (MANE Select); coding-DNA position 4058, T replaced by A.
Protein change: p.Ile1353Lys; replaces isoleucine 1353 with lysine.
Molecular consequence: missense variant.
Genome position (GRCh38, 1-based): chr3:121,488,873, A>T on the plus strand (T>A on the coding strand, the complement: POLQ is on the minus strand). VCF-style: chr3-121488873-A-T. GRCh37 (hg19) VCF-style: chr3-121207720-A-T.
Other names: short protein forms I1353K.
Identifiers: ClinVar variation 1737429 (VCV001737429.2), dbSNP rs2546786430, ClinGen allele CA354096336.
Genomic context (GRCh38, chr3:121,488,873, plus strand): 5'-ATGTGACACTCCTTCTGAAAAGAGTTCATTGAGTTCTGTTGGACTAAGCTCTTCTGCATT[A>T]TCCCTGCTGCCAGGTTGGTGTCCTTTGCTCCTAGTTTGGCATTTTCAGTTGCCATCTGTT-3'
Protein context (NP_955452.3, residues 1343-1363): GAKDTNLAAG[Ile1353Lys]MQKSLVQQNS